The following is an entry in ClinVar:

ClinVar aggregate classification (germline): Likely benign (0 of 4 stars; one submission).

Conditions:
POU4F1-related disorder. Also called: POU4F1-related condition.

Allele frequency attached by ClinVar (database versions not stated): gnomAD exomes 0.00010; ExAC 0.00058; gnomAD 0.00120; ESP Exome Variant Server 0.00126; TOPMed 0.00130; 1000 Genomes Project 0.00200; 1000 Genomes Project 30x 0.00203.

Submission:

PreventionGenetics, part of Exact Sciences
Classification: Likely benign for POU4F1-related condition. Last evaluated: 2022-07-21. Review status: no assertion criteria provided. Collection method: clinical testing. Allele origin: germline.
Comment: This variant is classified as likely benign based on ACMG/AMP sequence variant interpretation guidelines (Richards et al. 2015 PMID: 25741868, with internal and published modifications).

NM_006237.4(POU4F1):c.123+8C>T

Genes: OBI1-AS1 (OBI1 antisense RNA 1; plus strand), POU4F1 (POU class 4 homeobox 1; minus strand). Cytogenetic location: 13q31.1.
Variant type: single nucleotide variant.
Coding change: c.123+8C>T on transcript NM_006237.4 (MANE Select); 8 bases into the intron after coding-DNA position 123, C replaced by T.
Molecular consequence: intron variant.
Genome position (GRCh38, 1-based): chr13:78,603,196, G>A on the plus strand (C>T on the coding strand, the complement: POU4F1 is on the minus strand). VCF-style: chr13-78603196-G-A. GRCh37 (hg19) VCF-style: chr13-79177331-G-A.
Identifiers: ClinVar variation 3037892 (VCV003037892.2), dbSNP rs373030525, ClinGen allele CA7012644.